The following is an entry in ClinVar:

NM_002578.5(PAK3):c.439G>A (p.Ala147Thr)

Gene: PAK3 (p21 (RAC1) activated kinase 3; plus strand). Cytogenetic location: Xq23.
Variant type: single nucleotide variant.
Coding change: c.439G>A on transcript NM_002578.5 (MANE Select); coding-DNA position 439, G replaced by A.
Protein change: p.Ala147Thr; replaces alanine 147 with threonine.
Molecular consequence: missense variant. On other transcripts: non-coding transcript variant (2).
Genome position (GRCh38, 1-based): chrX:111,152,418, G>A. VCF-style: chrX-111152418-G-A. GRCh37 (hg19) VCF-style: chrX-110395646-G-A.
Other names: c.439G>A, p.Ala147Thr (NM_001128166.3, NM_001128167.3, NM_001324325.2 and 5 more transcripts); c.547G>A, p.Ala183Thr (NM_001128168.3); c.502G>A, p.Ala168Thr (NM_001128172.2); c.484G>A, p.Ala162Thr (NM_001128173.3, NM_001324327.2, NM_001324328.2 and 2 more transcripts); short protein forms A147T, A162T, A168T, A183T.
Identifiers: ClinVar variation 2444616 (VCV002444616.1), dbSNP rs2094041885, ClinGen allele CA414236186.
Genomic context (GRCh38, chrX:111,152,418, plus strand): 5'-AATGAAACATTCTTTATGAAACAAAAATGACCTCTCTATTCTCACTTTGCAGATAAAAGT[G>A]CACATGGATACATAGCAGCCCATCCTTCGGTAAGTGAAAAATTGAAAACTGTTTCACATG-3'
Protein context (NP_002569.1, residues 137-157): YMSFTSGDKS[Ala147Thr]HGYIAAHPSS

ClinVar aggregate classification (germline): Uncertain significance (1 of 4 stars; one submission).

Allele frequency attached by ClinVar (database versions not stated): gnomAD exomes below 0.00001.
gnomAD v4.1: 1 of 1,178,571 alleles (0.000085%); highest among the groups gnomAD compares: Admixed American, 0.0022%; no homozygotes.

Submission:

GeneDx
Classification: Uncertain significance. Last evaluated: 2023-03-16. Review status: criteria provided, single submitter. Criteria: GeneDx Variant Classification Process June 2021. Collection method: clinical testing. Allele origin: germline. Affected: yes.
Comment: Not observed in large population cohorts (gnomAD); In silico analysis supports that this missense variant does not alter protein structure/function; Has not been previously published as pathogenic or benign to our knowledge